The following is an entry in ClinVar:

ClinVar aggregate classification (germline): Uncertain significance. Review status: criteria provided, multiple submitters, no conflicts (2 of 4 stars). 2 submissions from 2 submitters: Uncertain significance (2). Last evaluated 2026-01-12.

Conditions:
TMEM67-related disorder. Also called: TMEM67-related condition; TMEM67-related disorders. Identifiers: MedGen CN239423.
Joubert syndrome. Also called: Familial aplasia of the vermis; JOUBERT-BOLTSHAUSER SYNDROME. Identifiers: Orphanet 475, MedGen C5979921, MONDO:0018772.
Meckel-Gruber syndrome. Also called: Dysencephalia splachnocystica; DYSENCEPHALIA SPLANCHNOCYSTICA; GRUBER SYNDROME. Identifiers: Orphanet 564, MedGen C0265215, MONDO:0018921.

Submissions (2):

Labcorp Genetics (formerly Invitae), Labcorp
Classification: Uncertain significance for Joubert syndrome; Meckel-Gruber syndrome. Last evaluated: 2026-01-12. Review status: criteria provided, single submitter. Criteria: Invitae Variant Classification Sherloc (09022015). Collection method: clinical testing. Allele origin: germline.
Comment: This sequence change replaces leucine, which is neutral and non-polar, with valine, which is neutral and non-polar, at codon 354 of the TMEM67 protein (p.Leu354Val). This variant is present in population databases (no rsID available, gnomAD 0.0009%). This variant has not been reported in the literature in individuals affected with TMEM67-related conditions. Invitae Evidence Modeling of protein sequence and biophysical properties (such as structural, functional, and spatial information, amino acid conservation, physicochemical variation, residue mobility, and thermodynamic stability) indicates that this missense variant is expected to disrupt TMEM67 protein function with a positive predictive value of 80%. In summary, the available evidence is currently insufficient to determine the role of this variant in disease. Therefore, it has been classified as a Variant of Uncertain Significance.

PreventionGenetics, part of Exact Sciences
Classification: Uncertain significance for TMEM67-related condition. Last evaluated: 2025-12-17. Review status: criteria provided, single submitter. Criteria: ACMG Guidelines, 2015. Collection method: clinical testing. Allele origin: germline.
Comment: The TMEM67 c.1060T>G variant is predicted to result in the amino acid substitution p.Leu354Val. To our knowledge, this variant has not been reported in the literature. This variant is reported in 0.00088% of alleles in individuals of European (Non-Finnish) descent in gnomAD. At this time, the clinical significance of this variant is uncertain due to the absence of conclusive functional and genetic evidence.

NM_153704.6(TMEM67):c.1060T>G (p.Leu354Val)

Gene: TMEM67 (transmembrane protein 67; plus strand). Cytogenetic location: 8q22.1.
Variant type: single nucleotide variant.
Coding change: c.1060T>G on transcript NM_153704.6 (MANE Select); coding-DNA position 1060, T replaced by G.
Protein change: p.Leu354Val; replaces leucine 354 with valine.
Molecular consequence: missense variant. On other transcripts: non-coding transcript variant (1).
Genome position (GRCh38, 1-based): chr8:93,781,739, T>G. VCF-style: chr8-93781739-T-G. GRCh37 (hg19) VCF-style: chr8-94793967-T-G.
Other names: c.817T>G, p.Leu273Val (NM_001142301.1); short protein forms L273V, L354V.
Identifiers: ClinVar variation 4793510 (VCV004793510.2).